The following is an entry in ClinVar:

ClinVar aggregate classification (germline): Pathogenic (1 of 4 stars; one submission).

Conditions:
Holoprosencephaly 3 (HPE3). Identifiers: Orphanet 2162, MedGen C1840529, MONDO:0007733, OMIM 142945.

Submission:

Laboratory of Molecular Genetics, CHU Rennes
Classification: Pathogenic for Holoprosencephaly 3. Last evaluated: 2025-02-27. Review status: criteria provided, single submitter. Criteria: ACMG Guidelines, 2015. Collection method: clinical testing. Allele origin: de novo. Inheritance: Autosomal dominant inheritance. Affected: yes.
Comment: The NM_000193.4:c.404C>G, is a nonsense variant in SHH which is predicted to result in a premature stop codon at position 135, and likely results in an absent or disrupted protein product (PVS1). This variant This variant occurred de novo (PS2). This variant is not present in gnomAD (PM2). In summary, this variant meets criteria to be classified as pathogenic for holoprosencephaly based on the ACMG criteria applied.

NM_000193.4(SHH):c.404C>G (p.Ser135Ter)

Gene: SHH (sonic hedgehog signaling molecule; minus strand). Cytogenetic location: 7q36.3.
Variant type: single nucleotide variant.
Coding change: c.404C>G on transcript NM_000193.4 (MANE Select); coding-DNA position 404, C replaced by G.
Protein change: p.Ser135Ter; replaces serine 135 with a stop codon.
Molecular consequence: nonsense. On other transcripts: non-coding transcript variant (2).
Genome position (GRCh38, 1-based): chr7:155,806,454, G>C on the plus strand (C>G on the coding strand, the complement: SHH is on the minus strand). VCF-style: chr7-155806454-G-C. GRCh37 (hg19) VCF-style: chr7-155599148-G-C.
Other names: c.143C>G, p.Ser48Ter (NM_001310462.2); short protein forms S135*, S48*.
Identifiers: ClinVar variation 3775138 (VCV003775138.1).
Genomic context (GRCh38, chr7:155,806,454, plus strand): 5'-CGGTCGCGGTCAGACGTGGTGATGTCCACTGCGCGGCCCTCGTAGTGCAGAGACTCCTCT[G>C]AGTGGTGGCCATCTTCGTCCCAGCCCTCGGTCACCCGCAGTTTCACTCCTGGCCACTGGT-3'